The following is an entry in ClinVar:

ClinVar aggregate classification (germline): Conflicting classifications of pathogenicity. Review status: criteria provided, conflicting classifications (1 of 4 stars). 2 submissions from 2 submitters: Uncertain significance (1); Likely benign (1). Last evaluated 2025-04-21.

Conditions:
Heterotopia, periventricular, X-linked dominant (PVNH1). Also called: PERIVENTRICULAR NODULAR HETEROTOPIA 1; X-linked periventricular heterotopia; PERIVENTRICULAR NODULAR HETEROTOPIA 4; HETEROTOPIA, PERIVENTRICULAR, 1. Identifiers: Orphanet 2149, Orphanet 82004, MedGen C1848213, MONDO:0010233, OMIM 300049.
Oto-palato-digital syndrome, type II (OPD2). Also called: OPD II SYNDROME; FACIOPALATOOSSEOUS SYNDROME; Otopalatodigital Syndrome, Type II; Otopalatodigital Syndrome Type 2 (FLNA-OPD2). Identifiers: Orphanet 669, Orphanet 90652, MedGen C1844696, MONDO:0010571, OMIM 304120.
Melnick-Needles syndrome (MNS). Also called: MELNICK-NEEDLES OSTEODYSPLASTY; OSTEODYSPLASTY OF MELNICK AND NEEDLES; Melnick-Needles Syndrome (FLNA-MNS). Identifiers: Orphanet 2484, MedGen C0025237, MONDO:0010650, OMIM 309350.
Frontometaphyseal dysplasia (FMD1). Identifiers: Orphanet 1826, MedGen C0265293, MONDO:0015942.
Familial thoracic aortic aneurysm and aortic dissection (TAAD). Also called: Thoracic aortic aneurysms and dissections. Identifiers: Orphanet 91387, MedGen C4707243, MONDO:0019625.

Allele frequency attached by ClinVar (database versions not stated): gnomAD exomes below 0.00001.
gnomAD v4.1: 3 of 1,211,724 alleles (0.00025%); highest among the groups gnomAD compares: South Asian, 0.0018%; no homozygotes.

Submissions (2):

Labcorp Genetics (formerly Invitae), Labcorp
Classification: Likely benign for Oto-palato-digital syndrome, type II; Heterotopia, periventricular, X-linked dominant; Frontometaphyseal dysplasia; Melnick-Needles syndrome. Last evaluated: 2025-04-21. Review status: criteria provided, single submitter. Criteria: Invitae Variant Classification Sherloc (09022015). Collection method: clinical testing. Allele origin: germline.

Ambry Genetics
Classification: Uncertain significance for Familial thoracic aortic aneurysm and aortic dissection. Last evaluated: 2023-01-17. Review status: criteria provided, single submitter. Criteria: Ambry Variant Classification Scheme 2023. Collection method: clinical testing. Allele origin: germline.
Comment: The p.T1970M variant (also known as c.5909C>T), located in coding exon 35 of the FLNA gene, results from a C to T substitution at nucleotide position 5909. The threonine at codon 1970 is replaced by methionine, an amino acid with similar properties. This amino acid position is not well conserved in available vertebrate species. In addition, this alteration is predicted to be tolerated by in silico analysis. Since supporting evidence is limited at this time, the clinical significance of this alteration remains unclear.

NM_001110556.2(FLNA):c.5933C>T (p.Thr1978Met)

Gene: FLNA (filamin A; minus strand). Cytogenetic location: Xq28.
Variant type: single nucleotide variant.
Coding change: c.5933C>T on transcript NM_001110556.2 (MANE Select); coding-DNA position 5933, C replaced by T.
Protein change: p.Thr1978Met; replaces threonine 1978 with methionine.
Molecular consequence: missense variant.
Genome position (GRCh38, 1-based): chrX:154,353,385, G>A on the plus strand (C>T on the coding strand, the complement: FLNA is on the minus strand). VCF-style: chrX-154353385-G-A. GRCh37 (hg19) VCF-style: chrX-153581753-G-A.
Other names: c.5909C>T, p.Thr1970Met (NM_001456.4); c.5909C>T (NM_001456.3); short protein forms T1970M, T1978M.
Identifiers: ClinVar variation 1097663 (VCV001097663.10), dbSNP rs1603359437, ClinGen allele CA415197746.
Genomic context (GRCh38, chrX:154,353,385, plus strand): 5'-AAACAGGGCTCCTCCCGGCCCGAGGGCGGGACCACAGTGGCCGTCAGCAGGCTGAGATCC[G>A]TCTCTGAGATGTTGATGGGGATGTCGGCAGCAGAGCCGACCTTTAGGTGGGACATACGCA-3'
Protein context (NP_001104026.1, residues 1968-1988): AADIPINISE[Thr1978Met]DLSLLTATVV